The following is an entry in ClinVar:

NC_000017.10:g.(?_29422328)_(29677356_?)del

Genes: OMG (oligodendrocyte myelin glycoprotein; minus strand), EVI2A (ecotropic viral integration site 2A; minus strand), EVI2B (ecotropic viral integration site 2B; minus strand), NF1 (neurofibromin 1; plus strand). Cytogenetic location: 17q11.2.
Variant type: Deletion.
Identifiers: ClinVar variation 2422716 (VCV002422716.4).

ClinVar aggregate classification (germline): Pathogenic (1 of 4 stars; one submission).

Conditions:
Neurofibromatosis, type 1 (NF1). Also called: Peripheral type neurofibromatosis; VON RECKLINGHAUSEN DISEASE; NEUROFIBROMATOSIS, TYPE I, SOMATIC; Neurofibromatosis, type I. Identifiers: Orphanet 636, MedGen C0027831, MONDO:0018975, OMIM 162200. Disease mechanism: loss of function.

Submission:

Labcorp Genetics (formerly Invitae), Labcorp
Classification: Pathogenic for Neurofibromatosis, type 1. Last evaluated: 2022-09-12. Review status: criteria provided, single submitter. Criteria: Invitae Variant Classification Sherloc (09022015). Collection method: clinical testing. Allele origin: germline.
Comment: For these reasons, this variant has been classified as Pathogenic. This variant has not been reported in the literature in individuals affected with NF1-related conditions. This variant is a gross deletion of the genomic region encompassing exon(s) 1-49 of the NF1 gene, which includes the initiator codon. This deletion extends beyond the assayed region for this gene and therefore may encompass additional genes. It is expected to result in an absent or disrupted protein product. Loss-of-function variants in NF1 are known to be pathogenic (PMID: 10712197, 23913538).

Literature cited by the submitters: PubMed 10712197; PubMed 23913538.